The following is an entry in ClinVar:

ClinVar aggregate classification (germline): Pathogenic (1 of 4 stars; one submission).

Conditions:
Severe myoclonic epilepsy in infancy (DRVT). Also called: Epileptic encephalopathy, early infantile, 6 (Dravet syndrome); SEVERE MYOCLONIC EPILEPSY OF INFANCY; DEVELOPMENTAL AND EPILEPTIC ENCEPHALOPATHY 6A; Severe Myoclonic Epilepsy in Infancy (SMEI); Dravet syndrome. Identifiers: Orphanet 33069, MedGen C0751122, MONDO:0100135, OMIM 607208.

Submission:

Center for Bioinformatics, Peking University
Classification: Pathogenic for Dravet syndrome. Last evaluated: 2014-12-20. Review status: criteria provided, single submitter. Criteria: Xu et al. (Hum Mutat. 2015). Collection method: research. Allele origin: de novo. Affected: yes. Observed: 1 variant allele. Study: University Clinical Cooperation “985 Project” PKU-2014-1-1.
Comment: Dravet syndrome (DS) probands were recruited from the outpatient and inpatient child neurology units of Peking University First Hospital from 2005 till present. The study was approved by the Ethics Committee of Peking University First Hospital and the Institutional Review Board at Peking University. Participants or their parents provided written informed consent before enrollment. We collected a total of 267 mutations from 255 families with probands diagnosed with DS in China. All probands fulfilled the clinical diagnostic criteria.

NM_001165963.4(SCN1A):c.4611_4645dup (p.Ile1549delinsThrTer)

Genes: SCN1A (sodium voltage-gated channel alpha subunit 1; minus strand), LOC102724058 (uncharacterized LOC102724058; plus strand). Cytogenetic location: 2q24.3.
Variant type: Duplication.
Coding change: c.4611_4645dup on transcript NM_001165963.4 (MANE Select); coding-DNA positions 4611 to 4645, 35 bases duplicated.
Protein change: p.Ile1549delinsThrTer.
Molecular consequence: nonsense. On other transcripts: non-coding transcript variant (1).
Genome position (GRCh38, 1-based): chr2:165,994,353-165,994,387, 35 bases duplicated. GRCh37 (hg19): chr2:166,850,863-166,850,897.
Other names: c.4527_4561dup, p.Ile1521delinsThrTer (NM_001165964.3, NM_001353957.2, NM_001353958.2); c.4611_4645dup, p.Ile1549delinsThrTer (NM_001202435.3, NM_001353948.2); c.4578_4612dup, p.Ile1538delinsThrTer (NM_001353949.2, NM_001353950.2, NM_001353951.2 and 2 more transcripts); c.4575_4609dup, p.Ile1537delinsThrTer (NM_001353954.2, NM_001353955.2); c.4524_4558dup, p.Ile1520delinsThrTer (NM_001353960.2); c.2169_2203dup, p.Ile735delinsThrTer (NM_001353961.2); c.4611_4645dupCGTAACCAGACAAGTTTTTGACATAAGCATCATGA (NM_001165963.1).
Identifiers: ClinVar variation 189918 (VCV000189918.1), dbSNP rs794726757, ClinGen allele CA303304.